The following is an entry in ClinVar:

NM_080680.3(COL11A2):c.2268+8G>A

Gene: COL11A2 (collagen type XI alpha 2 chain; minus strand). Cytogenetic location: 6p21.32.
Variant type: single nucleotide variant.
Coding change: c.2268+8G>A on transcript NM_080680.3 (MANE Select); 8 bases into the intron after coding-DNA position 2268, G replaced by A.
Molecular consequence: intron variant.
Genome position (GRCh38, 1-based): chr6:33,176,008, C>T on the plus strand (G>A on the coding strand, the complement: COL11A2 is on the minus strand). VCF-style: chr6-33176008-C-T. GRCh37 (hg19) VCF-style: chr6-33143785-C-T.
Other names: c.1947+8G>A (NM_080679.3); c.2010+8G>A (NM_080681.3).
Identifiers: ClinVar variation 516244 (VCV000516244.12), dbSNP rs373463428, ClinGen allele CA3750981.

ClinVar aggregate classification (germline): Likely benign. Review status: criteria provided, multiple submitters, no conflicts (2 of 4 stars). 4 submissions from 4 submitters: Likely benign (3). 1 of the submissions does not count toward it. Last evaluated 2026-02-01.

Conditions:
COL11A2-related disorder. Also called: COL11A2-related condition; COL11A2-related disorders.

Allele frequency attached by ClinVar (database versions not stated): ExAC 0.00005; gnomAD 0.00006; gnomAD exomes 0.00006 and 0.00007; TOPMed 0.00010; ESP Exome Variant Server 0.00024.
gnomAD v4.1: 109 of 1,612,888 alleles (0.0068%); highest among the groups gnomAD compares: Admixed American, 0.022%; 1 homozygote.

Submissions (4):

Labcorp Genetics (formerly Invitae), Labcorp
Classification: Likely benign. Last evaluated: 2026-02-01. Review status: criteria provided, single submitter. Criteria: Invitae Variant Classification Sherloc (09022015). Collection method: clinical testing. Allele origin: germline.

Blueprint Genetics
Classification: Likely benign. Last evaluated: 2024-11-06. Review status: criteria provided, single submitter. Criteria: ACMG Guidelines, 2015. Collection method: clinical testing. Allele origin: germline.

GeneDx
Classification: Likely benign. Last evaluated: 2017-03-27. Review status: criteria provided, single submitter. Criteria: GeneDx Variant Classification (06012015). Collection method: clinical testing. Allele origin: germline. Affected: yes.
Comment: This variant is considered likely benign or benign based on one or more of the following criteria: it is a conservative change, it occurs at a poorly conserved position in the protein, it is predicted to be benign by multiple in silico algorithms, and/or has population frequency not consistent with disease.

PreventionGenetics, part of Exact Sciences
Classification: Likely benign for COL11A2-related condition. Last evaluated: 2022-03-10. Review status: no assertion criteria provided. Collection method: clinical testing. Allele origin: germline. Not counted in ClinVar's aggregate classification.
Comment: This variant is classified as likely benign based on ACMG/AMP sequence variant interpretation guidelines (Richards et al. 2015 PMID: 25741868, with internal and published modifications).